The following is an entry in ClinVar:

ClinVar aggregate classification (germline): Uncertain significance (1 of 4 stars; one submission).

Submission:

CeGaT Center for Human Genetics Tuebingen
Classification: Uncertain significance. Last evaluated: 2026-03-01. Review status: criteria provided, single submitter. Criteria: CeGaT Center For Human Genetics Tuebingen Variant Classification Criteria Version 2. Collection method: clinical testing. Allele origin: germline. Affected: yes. Observed: 1 variant allele.
Comment: FAN1: PM2, PM3:Supporting, PP3

NM_014967.5(FAN1):c.1376-9C>G

Gene: FAN1 (FANCD2 and FANCI associated nuclease 1; plus strand). Cytogenetic location: 15q13.3.
Variant type: single nucleotide variant.
Coding change: c.1376-9C>G on transcript NM_014967.5 (MANE Select); 9 bases into the intron before coding-DNA position 1376, C replaced by G.
Molecular consequence: intron variant.
Genome position (GRCh38, 1-based): chr15:30,910,605, C>G. VCF-style: chr15-30910605-C-G. GRCh37 (hg19) VCF-style: chr15-31202808-C-G.
Other names: c.1376-9C>G (NM_001146095.1, NM_001146096.2, NM_001146094.2).
Identifiers: ClinVar variation 4823437 (VCV004823437.4).